The following is an entry in ClinVar:

ClinVar aggregate classification (germline): Conflicting classifications of pathogenicity. Review status: criteria provided, conflicting classifications (1 of 4 stars). 19 submissions from 19 submitters: Uncertain significance (14); Benign (1); Likely benign (3). 1 of the submissions does not count toward it. Last evaluated 2026-01-26.

Conditions:
MSH6-related disorder. Also called: MSH6-related condition; MSH6-Related disorders.
Hereditary nonpolyposis colon cancer (HNPCC). Also called: Hereditary Nonpolyposis Colorectal Cancer Syndrome; Hereditary nonpolyposis colorectal cancer; Familial nonpolyposis colon cancer. Identifiers: Orphanet 443909, MedGen C1333990, MONDO:0018630. Disease mechanism: loss of function.
Hereditary nonpolyposis colorectal neoplasms. Identifiers: MedGen C0009405, MeSH D003123.
Hereditary cancer-predisposing syndrome. Also called: Hereditary Cancer Syndrome; Tumor predisposition; Neoplastic Syndromes, Hereditary; Hereditary neoplastic syndrome. Identifiers: Orphanet 140162, MedGen C0027672, MeSH D009386, MONDO:0015356.
Lynch syndrome. Identifiers: Orphanet 144, MedGen C4552100, MONDO:0005835. Disease mechanism: loss of function.
Lynch syndrome 5 (LYNCH5). Also called: Hereditary non-polyposis colorectal cancer, type 5; Colorectal cancer, hereditary nonpolyposis, type 5. Identifiers: Orphanet 144, MedGen C1833477, MONDO:0013710, OMIM 614350. Disease mechanism: loss of function.
Endometrial carcinoma. Also called: Endometrial carcinoma, somatic. Identifiers: MedGen C0476089, MONDO:0002447, OMIM 608089, HP:0012114.

Allele frequency attached by ClinVar (database versions not stated): TOPMed 0.00005; gnomAD 0.00010.
gnomAD v4.1: 71 of 1,614,024 alleles (0.0044%); highest among the groups gnomAD compares: Middle Eastern, 0.016%; no homozygotes.

Submissions 1 to 12 of 19:

Labcorp Genetics (formerly Invitae), Labcorp
Classification: Benign for Hereditary nonpolyposis colorectal neoplasms. Last evaluated: 2026-01-26. Review status: criteria provided, single submitter. Criteria: Invitae Variant Classification Sherloc (09022015). Collection method: clinical testing. Allele origin: germline.

PreventionGenetics, part of Exact Sciences
Classification: Uncertain significance for MSH6-related condition. Last evaluated: 2026-01-07. Review status: criteria provided, single submitter. Criteria: ACMG Guidelines, 2015. Collection method: clinical testing. Allele origin: germline.
Comment: The MSH6 c.1729C>T variant is predicted to result in the amino acid substitution p.Arg577Cys. This variant has been reported in individuals with breast, colorectal, prostate, and ovarian cancer (Loizidou et al. 2014. PubMed ID: 25133505; Paulo et al. 2018. PubMed ID: 29659569; Table S5, Akcay et al. 2020. PubMed ID: 32658311; Barbosa et al. 2020. PubMed ID: 33008098; Supplementary Data 1, Hu et al. 2022. PubMed ID: 35449176); however, evidence supporting pathogenicity was not provided. This variant is reported in 0.0097% of alleles in individuals of Ashkenazi Jewish descent in gnomAD and is classified as uncertain by the overwhelming majority of institutions in ClinVar (Variation ID: 89218). At this time, the clinical significance of this variant is uncertain due to the absence of conclusive functional and genetic evidence.

Myriad Genetics, Inc.
Classification: Likely benign for Lynch syndrome 5. Last evaluated: 2025-11-17. Review status: criteria provided, single submitter. Criteria: Myriad Autosomal Dominant, Autosomal Recessive and X-Linked Classification Criteria (2023). Collection method: clinical testing. Allele origin: unknown.
Comment: This variant is considered likely benign. This variant is strongly associated with less severe personal and family histories of cancer, typical for individuals without pathogenic variants in this gene [PMID: 27363726].

Color Diagnostics, LLC DBA Color Health
Classification: Uncertain significance for Hereditary cancer-predisposing syndrome. Last evaluated: 2025-06-24. Review status: criteria provided, single submitter. Criteria: ACMG Guidelines, 2015. Collection method: clinical testing. Allele origin: germline.
Comment: This missense variant replaces arginine with cysteine at codon 577 of the MSH6 protein. Computational prediction suggests that this variant may have deleterious impact on protein structure and function. To our knowledge, functional studies have not been reported for this variant. This variant has been reported in individuals affected with prostate (PMID: 29659569), ovarian (PMID: 33008098), breast (PMID: 33471991) and colorectal cancer (PMID: 18809606, 25133505). This variant has also been observed in healthy individuals in breast and pancreatic cancer case-control studies (PMID: 32980694, 33471991). This variant has been identified in 10/281608 chromosomes in the general population by the Genome Aggregation Database (gnomAD). The available evidence is insufficient to determine the role of this variant in disease conclusively. Therefore, this variant is classified as a Variant of Uncertain Significance.

Center for Genomic Medicine, Rigshospitalet, Copenhagen University Hospital
Classification: Uncertain significance. Last evaluated: 2025-03-04. Review status: criteria provided, single submitter. Criteria: ACMG Guidelines, 2015. Collection method: clinical testing. Allele origin: germline.

Molecular Pathology, Peter Maccallum Cancer Centre
Classification: Uncertain significance for Lynch syndrome 5. Last evaluated: 2025-02-10. Review status: criteria provided, single submitter. Criteria: ACMG Guidelines, 2015. Collection method: clinical testing. Allele origin: germline. Inheritance: Autosomal dominant inheritance.

Molecular Diagnostics Laboratory, Catalan Institute of Oncology
Classification: Uncertain significance for Hereditary cancer-predisposing syndrome. Last evaluated: 2025-01-07. Review status: criteria provided, single submitter. Criteria: MMR VCEP Paper Draft V3.1. Collection method: clinical testing. Allele origin: germline.
Comment: c.1729C>T, located in exon 4 of the MSH6 gene, is predicted to result in the substitution of arginine by cysteine at codon 577, p.(Arg577Cys). This variant is found in 10/267070 alleles at a frequency of 0.004% in the gnomAD v2.1.1 database, non-cancer dataset. Computational tools for this variant suggests no significant impact on splicing and intermediate-low effect on the protein function (MAPP+PolyPhen-2 prior probability for pathogenicity: 0.28). To our knowledge, no well-established functional studies have been reported for this variant. This variant has been reported in multiple cancer-affected individuals with different tumor types (PMID: 33008098, 25133505, 29659569, 32980694 and data from our internal cohort of patients), and was reported in a breast cancer case-control study in 9 out of 60466 cases and 4 out of 53461 controls (PMID: 33471991). This variant has been reported in the ClinVar database (1x benign, 2x likely benign, 10x uncertain significance) and in LOVD (3x uncertain significance), and it has been classified as variant of uncertain significance by InSiGHT. Based on currently available information, the variant c.1729C>T should be considered an uncertain significance variant, according to MMR specific InSIGHT Guidelines, Draft v3.1.

CeGaT Center for Human Genetics Tuebingen
Classification: Uncertain significance. Last evaluated: 2025-01-01. Review status: criteria provided, single submitter. Criteria: CeGaT Center For Human Genetics Tuebingen Variant Classification Criteria Version 2. Collection method: clinical testing. Allele origin: germline. Affected: yes. Observed: 1 variant allele.
Comment: MSH6: PM2, PP3

All of Us Research Program, National Institutes of Health
Classification: Uncertain significance for Lynch syndrome. Last evaluated: 2024-08-06. Review status: criteria provided, single submitter. Criteria: ACMG Guidelines, 2015. Collection method: clinical testing. Allele origin: germline. Inheritance: Autosomal dominant inheritance. Observed: 13 variant alleles, 13 heterozygotes.
Comment: This missense variant replaces arginine with cysteine at codon 577 of the MSH6 protein. Computational prediction suggests that this variant may have deleterious impact on protein structure and function (internally defined REVEL score threshold >= 0.7, PMID: 27666373). To our knowledge, functional studies have not been reported for this variant. This variant has been reported in individuals affected with prostate (PMID: 29659569), ovarian (PMID: 33008098), breast (PMID: 33471991) and colorectal cancer (PMID: 18809606, 25133505). This variant has also been observed in healthy individuals in breast and pancreatic cancer case-control studies (PMID: 32980694, 33471991). This variant has been identified in 10/281608 chromosomes in the general population by the Genome Aggregation Database (gnomAD). The available evidence is insufficient to determine the role of this variant in disease conclusively. Therefore, this variant is classified as a Variant of Uncertain Significance.

This study involves interpretation of variants in research participants for the purpose of population health screening. Participant phenotype was not available at the time of variant classification. Additional details can be found in publication PMID: 35346344, PMCID: PMC8962531

GeneDx
Classification: Uncertain significance. Last evaluated: 2024-07-16. Review status: criteria provided, single submitter. Criteria: GeneDx Variant Classification Process June 2021. Collection method: clinical testing. Allele origin: germline. Affected: yes.
Comment: In silico analysis supports that this missense variant has a deleterious effect on protein structure/function; This variant is associated with the following publications: (PMID: 26333163, 18809606, 25133505, 26689913, 29659569, 33008098, 33471991, 21120944, 17531815, 36243179, 35449176, 33057194, 35980532, 35982159, 35534704)

Mendelics
Classification: Likely benign for Hereditary nonpolyposis colon cancer. Last evaluated: 2024-04-09. Review status: criteria provided, single submitter. Criteria: ACMG Guidelines, 2015. Collection method: clinical testing. Allele origin: unknown.

Baylor Genetics
Classification: Uncertain significance for Endometrial carcinoma. Last evaluated: 2024-03-28. Review status: criteria provided, single submitter. Criteria: ACMG Guidelines, 2015. Collection method: clinical testing. Allele origin: unknown.

NM_000179.3(MSH6):c.1729C>T (p.Arg577Cys)

Gene: MSH6 (mutS homolog 6; plus strand). Cytogenetic location: 2p16.3.
Variant type: single nucleotide variant.
Coding change: c.1729C>T on transcript NM_000179.3 (MANE Select); coding-DNA position 1729, C replaced by T.
Protein change: p.Arg577Cys; replaces arginine 577 with cysteine.
Molecular consequence: missense variant.
Genome position (GRCh38, 1-based): chr2:47,799,712, C>T. VCF-style: chr2-47799712-C-T. GRCh37 (hg19) VCF-style: chr2-48026851-C-T.
Other names: p.R577C:CGC>TGC; c.1339C>T, p.Arg447Cys (NM_001281492.2); c.823C>T, p.Arg275Cys (NM_001281493.2, NM_001281494.2); short protein forms R577C, R447C, R275C.
Identifiers: ClinVar variation 89218 (VCV000089218.59), dbSNP rs542838372, ClinGen allele CA009088.